The following is an entry in ClinVar:

NM_001618.4(PARP1):c.2916G>A (p.Gly972=)

Gene: PARP1 (poly(ADP-ribose) polymerase 1; minus strand). Cytogenetic location: 1q42.12.
Variant type: single nucleotide variant.
Coding change: c.2916G>A on transcript NM_001618.4 (MANE Select); coding-DNA position 2916, G replaced by A.
Protein change: p.Gly972=; no amino-acid change (glycine 972 retained).
Molecular consequence: synonymous variant.
Genome position (GRCh38, 1-based): chr1:226,362,016, C>T on the plus strand (G>A on the coding strand, the complement: PARP1 is on the minus strand). VCF-style: chr1-226362016-C-T. GRCh37 (hg19) VCF-style: chr1-226549717-C-T.
Identifiers: ClinVar variation 3058577 (VCV003058577.2), dbSNP rs765735901, ClinGen allele CA1422317.

ClinVar aggregate classification (germline): Likely benign (0 of 4 stars; one submission).

Conditions:
PARP1-related disorder. Also called: PARP1-related condition.

Allele frequency attached by ClinVar (database versions not stated): ExAC 0.00001; gnomAD exomes 0.00001; TOPMed 0.00001.

Submission:

PreventionGenetics, part of Exact Sciences
Classification: Likely benign for PARP1-related condition. Last evaluated: 2019-02-19. Review status: no assertion criteria provided. Collection method: clinical testing. Allele origin: germline.
Comment: This variant is classified as likely benign based on ACMG/AMP sequence variant interpretation guidelines (Richards et al. 2015 PMID: 25741868, with internal and published modifications).